The following is an entry in ClinVar:

NM_206933.4(USH2A):c.3546T>A (p.Tyr1182Ter)

Genes: USH2A (usherin; minus strand), USH2A-AS1 (USH2A antisense RNA 1; plus strand). Cytogenetic location: 1q41.
Variant type: single nucleotide variant.
Coding change: c.3546T>A on transcript NM_206933.4 (MANE Select); coding-DNA position 3546, T replaced by A.
Protein change: p.Tyr1182Ter; replaces tyrosine 1182 with a stop codon.
Molecular consequence: nonsense.
Genome position (GRCh38, 1-based): chr1:216,199,892, A>T on the plus strand (T>A on the coding strand, the complement: USH2A is on the minus strand). VCF-style: chr1-216199892-A-T. GRCh37 (hg19) VCF-style: chr1-216373234-A-T.
Other names: c.3546T>A, p.Tyr1182Ter (NM_007123.6); short protein forms Y1182*.
Identifiers: ClinVar variation 1356781 (VCV001356781.7), dbSNP rs762167370, ClinGen allele CA344868200.

ClinVar aggregate classification (germline): Pathogenic/Likely pathogenic. Review status: criteria provided, multiple submitters, no conflicts (2 of 4 stars). 3 submissions from 3 submitters: Pathogenic (1); Likely pathogenic (2). Last evaluated 2025-12-08.

Conditions:
Usher syndrome type 2A. Also called: USHER SYNDROME, TYPE IIA; RETINAL DISEASE IN USHER SYNDROME TYPE IIA, MODIFIER OF. Identifiers: Orphanet 231178, Orphanet 886, MedGen C1848634, MONDO:0010169, OMIM 276901.
Usher syndrome. Also called: Usher's syndrome; Usher Syndromes. Identifiers: Orphanet 886, MedGen CN469326, MeSH D052245, MONDO:0019501. Disease mechanism: loss of function.

Submissions (3):

Labcorp Genetics (formerly Invitae), Labcorp
Classification: Pathogenic. Last evaluated: 2025-12-08. Review status: criteria provided, single submitter. Criteria: Invitae Variant Classification Sherloc (09022015). Collection method: clinical testing. Allele origin: germline.
Comment: This sequence change creates a premature translational stop signal (p.Tyr1182*) in the USH2A gene. It is expected to result in an absent or disrupted protein product. Loss-of-function variants in USH2A are known to be pathogenic (PMID: 10729113, 10909849, 20507924, 25649381). This variant is not present in population databases (gnomAD no frequency). This variant has not been reported in the literature in individuals affected with USH2A-related conditions. ClinVar contains an entry for this variant (Variation ID: 1356781). For these reasons, this variant has been classified as Pathogenic.

Genome-Nilou Lab
Classification: Likely pathogenic for Usher syndrome type 2A. Last evaluated: 2023-11-04. Review status: criteria provided, single submitter. Criteria: ACMG Guidelines, 2015. Collection method: clinical testing. Allele origin: germline. Affected: no.

Women's Health and Genetics/Laboratory Corporation of America, LabCorp
Classification: Likely pathogenic for Usher syndrome. Last evaluated: 2022-04-19. Review status: criteria provided, single submitter. Criteria: LabCorp Variant Classification Summary - May 2015. Collection method: clinical testing. Allele origin: germline.
Comment: Variant summary: USH2A c.3546T>A (p.Tyr1182X) results in a premature termination codon, predicted to cause a truncation of the encoded protein or absence of the protein due to nonsense mediated decay, which are commonly known mechanisms for disease. Truncations downstream of this position have been classified as pathogenic by our laboratory. The variant was absent in 250972 control chromosomes. To our knowledge, no occurrence of c.3546T>A in individuals affected with Usher Syndrome and no experimental evidence demonstrating its impact on protein function have been reported. One clinical diagnostic laboratory has submitted clinical-significance assessments for this variant to ClinVar after 2014 without evidence for independent evaluation. One laboratory classified the variant as pathogenic. Based on the evidence outlined above, the variant was classified as likely pathogenic.

Literature cited by the submitters: PubMed 10729113 (cited by Labcorp Genetics (formerly Invitae), Labcorp); PubMed 10909849 (cited by Labcorp Genetics (formerly Invitae), Labcorp); PubMed 20507924 (cited by Labcorp Genetics (formerly Invitae), Labcorp); PubMed 25649381 (cited by Labcorp Genetics (formerly Invitae), Labcorp).